The following is an entry in ClinVar:

NM_001386298.1(CIC):c.4214C>T (p.Ser1405Leu)

Gene: CIC (capicua transcriptional repressor; plus strand). Cytogenetic location: 19q13.2.
Variant type: single nucleotide variant.
Coding change: c.4214C>T on transcript NM_001386298.1 (MANE Select); coding-DNA position 4214, C replaced by T.
Protein change: p.Ser1405Leu; replaces serine 1405 with leucine.
Molecular consequence: missense variant.
Genome position (GRCh38, 1-based): chr19:42,290,255, C>T. VCF-style: chr19-42290255-C-T. GRCh37 (hg19) VCF-style: chr19-42794407-C-T.
Other names: c.1487C>T, p.Ser496Leu (NM_015125.5, NM_001379484.1, NM_001379485.1); c.4214C>T, p.Ser1405Leu (NM_001304815.2, NM_001379480.1, NM_001379482.1); short protein forms S1405L, S496L.
Identifiers: ClinVar variation 1695848 (VCV001695848.3), dbSNP rs2147249002, ClinGen allele CA406103770.

ClinVar aggregate classification (germline): Uncertain significance (1 of 4 stars; one submission).

Allele frequency attached by ClinVar (database versions not stated): gnomAD exomes 0.00001.
gnomAD v4.1: 10 of 1,614,078 alleles (0.00062%); highest among the groups gnomAD compares: Non-Finnish European, 0.00085%; no homozygotes.

Submission:

GeneDx
Classification: Uncertain significance. Last evaluated: 2025-08-04. Review status: criteria provided, single submitter. Criteria: GeneDx Variant Classification Process June 2021. Collection method: clinical testing. Allele origin: germline. Affected: yes.
Comment: Not observed at significant frequency in large population cohorts (gnomAD); In silico analysis supports that this missense variant has a deleterious effect on protein structure/function; Has not been previously published as pathogenic or benign to our knowledge